The following is an entry in ClinVar:

ClinVar aggregate classification (germline): Uncertain significance (1 of 4 stars; one submission).

gnomAD v4.1: 4 of 1,613,982 alleles (0.00025%); highest among the groups gnomAD compares: African/African-American, 0.0053%; no homozygotes.

Submission:

GeneDx
Classification: Uncertain significance. Last evaluated: 2025-08-04. Review status: criteria provided, single submitter. Criteria: GeneDx Variant Classification Process June 2021. Collection method: clinical testing. Allele origin: germline. Affected: yes.
Comment: Not observed at significant frequency in large population cohorts (gnomAD); In silico analysis suggests that this missense variant does not alter protein structure/function; Has not been previously published as pathogenic or benign to our knowledge

NM_015192.4(PLCB1):c.3464A>G (p.Lys1155Arg)

Gene: PLCB1 (phospholipase C beta 1; plus strand). Cytogenetic location: 20p12.3.
Variant type: single nucleotide variant.
Coding change: c.3464A>G on transcript NM_015192.4 (MANE Select); coding-DNA position 3464, A replaced by G.
Protein change: p.Lys1155Arg; replaces lysine 1155 with arginine.
Molecular consequence: missense variant. On other transcripts: 3 prime UTR variant (1).
Genome position (GRCh38, 1-based): chr20:8,881,662, A>G. VCF-style: chr20-8881662-A-G. GRCh37 (hg19) VCF-style: chr20-8862309-A-G.
Other names: c.*60A>G (NM_182734.3); short protein forms K1155R.
Identifiers: ClinVar variation 4755824 (VCV004755824.1).